The following is an entry in ClinVar:

NM_000051.4(ATM):c.7175G>T (p.Arg2392Leu)

Genes: ATM (ATM serine/threonine kinase; plus strand), C11orf65 (chromosome 11 open reading frame 65; minus strand). Cytogenetic location: 11q22.3.
Variant type: single nucleotide variant.
Coding change: c.7175G>T on transcript NM_000051.4 (MANE Select); coding-DNA position 7175, G replaced by T.
Protein change: p.Arg2392Leu; replaces arginine 2392 with leucine.
Molecular consequence: missense variant. On other transcripts: intron variant (2).
Genome position (GRCh38, 1-based): chr11:108,329,106, G>T. VCF-style: chr11-108329106-G-T. GRCh37 (hg19) VCF-style: chr11-108199833-G-T.
Other names: c.7175G>T, p.Arg2392Leu (NM_001351834.2); c.641-20035C>A (NM_001330368.2); c.*38+6114C>A (NM_001351110.2); short protein forms R2392L.
Identifiers: ClinVar variation 640794 (VCV000640794.9), dbSNP rs876659083, ClinGen allele CA382559562.

ClinVar aggregate classification (germline): Uncertain significance (1 of 4 stars; one submission).

Conditions:
Ataxia-telangiectasia syndrome (AT). Also called: Ataxia-telangiectasia, complementation group D; AT, COMPLEMENTATION GROUP C; ATAXIA-TELANGIECTASIA, COMPLEMENTATION GROUP A; ATAXIA-TELANGIECTASIA, FRESNO VARIANT; Ataxia-telangiectasia; LOUIS-BAR SYNDROME. Identifiers: Orphanet 100, MedGen C0004135, MONDO:0008840, OMIM 208900.

gnomAD v4.1: 1 of 1,614,000 alleles (0.000062%); highest among the groups gnomAD compares: Non-Finnish European, 0.000085%; no homozygotes.

Submission:

Labcorp Genetics (formerly Invitae), Labcorp
Classification: Uncertain significance for Ataxia-telangiectasia syndrome. Last evaluated: 2018-10-07. Review status: criteria provided, single submitter. Criteria: Invitae Variant Classification Sherloc (09022015). Collection method: clinical testing. Allele origin: germline.
Comment: In summary, the available evidence is currently insufficient to determine the role of this variant in disease. Therefore, it has been classified as a Variant of Uncertain Significance. Algorithms developed to predict the effect of missense changes on protein structure and function (SIFT, PolyPhen-2, Align-GVGD) all suggest that this variant is likely to be disruptive, but these predictions have not been confirmed by published functional studies and their clinical significance is uncertain. This variant has not been reported in the literature in individuals with ATM-related disease. This variant is not present in population databases (ExAC no frequency). This sequence change replaces arginine with leucine at codon 2392 of the ATM protein (p.Arg2392Leu). The arginine residue is highly conserved and there is a moderate physicochemical difference between arginine and leucine.